The following is an entry in ClinVar:

NM_152703.5(SAMD9L):c.3456_3458del (p.Leu1153del)

Gene: SAMD9L (sterile alpha motif domain containing 9 like; minus strand). Cytogenetic location: 7q21.2.
Variant type: Deletion.
Coding change: c.3456_3458del on transcript NM_152703.5 (MANE Select); coding-DNA positions 3456 to 3458, 3 bases deleted (CCT; older notation c.3456_3458delCCT).
Protein change: p.Leu1153del; deletes leucine 1153.
Genome position (GRCh38, 1-based): chr7:93,132,514-93,132,516, AGG deleted on the plus strand (CCT on the coding strand, the reverse complement: SAMD9L is on the minus strand); deleting any 3 consecutive bases within chr7:93,132,514-93,132,518 gives the same sequence; the c. name uses the placement nearest the transcript's 3' end. VCF-style (leftmost placement, unchanged base first): chr7-93132513-TAGG-T. GRCh37 (hg19) VCF-style: chr7-92761826-TAGG-T.
Other names: c.3456_3458del, p.Leu1153del (NM_001303496.3, NM_001303497.3, NM_001303498.3 and 5 more transcripts); short protein forms L1153del.
Identifiers: ClinVar variation 3694724 (VCV003694724.3).

ClinVar aggregate classification (germline): Uncertain significance. Review status: criteria provided, multiple submitters, no conflicts (2 of 4 stars). 2 submissions from 2 submitters: Uncertain significance (2). Last evaluated 2024-11-11.

Submissions (2):

Labcorp Genetics (formerly Invitae), Labcorp
Classification: Uncertain significance. Last evaluated: 2024-11-11. Review status: criteria provided, single submitter. Criteria: Invitae Variant Classification Sherloc (09022015). Collection method: clinical testing. Allele origin: germline.
Comment: This variant, c.3456_3458del, results in the deletion of 1 amino acid(s) of the SAMD9L protein (p.Leu1153del), but otherwise preserves the integrity of the reading frame. This variant is present in population databases (no rsID available, gnomAD 0.06%). This variant has not been reported in the literature in individuals affected with SAMD9L-related conditions. Experimental studies and prediction algorithms are not available or were not evaluated, and the functional significance of this variant is currently unknown. In summary, the available evidence is currently insufficient to determine the role of this variant in disease. Therefore, it has been classified as a Variant of Uncertain Significance.

Blueprint Genetics
Classification: Uncertain significance. Last evaluated: 2024-07-10. Review status: criteria provided, single submitter. Criteria: ACMG Guidelines, 2015. Collection method: clinical testing. Allele origin: germline.